The following is an entry in ClinVar:

ClinVar aggregate classification (germline): Uncertain significance (1 of 4 stars; one submission).

Conditions:
Renal cell carcinoma. Identifiers: Orphanet 217071, MedGen C0007134, MeSH D002292, MONDO:0005086, HP:0005584.

Submission:

Labcorp Genetics (formerly Invitae), Labcorp
Classification: Uncertain significance for Renal cell carcinoma. Last evaluated: 2023-06-23. Review status: criteria provided, single submitter. Criteria: Invitae Variant Classification Sherloc (09022015). Collection method: clinical testing. Allele origin: germline.
Comment: Advanced modeling of protein sequence and biophysical properties (such as structural, functional, and spatial information, amino acid conservation, physicochemical variation, residue mobility, and thermodynamic stability) performed at Invitae indicates that this missense variant is expected to disrupt MET protein function. In summary, the available evidence is currently insufficient to determine the role of this variant in disease. Therefore, it has been classified as a Variant of Uncertain Significance. This variant has not been reported in the literature in individuals affected with MET-related conditions. This variant is not present in population databases (gnomAD no frequency). This sequence change replaces methionine, which is neutral and non-polar, with isoleucine, which is neutral and non-polar, at codon 1210 of the MET protein (p.Met1210Ile).

NM_000245.4(MET):c.3576G>C (p.Met1192Ile)

Gene: MET (MET proto-oncogene, receptor tyrosine kinase; plus strand). Cytogenetic location: 7q31.2.
Variant type: single nucleotide variant.
Coding change: c.3576G>C on transcript NM_000245.4 (MANE Select); coding-DNA position 3576, G replaced by C.
Protein change: p.Met1192Ile; replaces methionine 1192 with isoleucine.
Molecular consequence: missense variant.
Genome position (GRCh38, 1-based): chr7:116,782,041, G>C. VCF-style: chr7-116782041-G-C. GRCh37 (hg19) VCF-style: chr7-116422095-G-C.
Other names: c.2286G>C, p.Met762Ile (NM_001324402.2); c.3630G>C, p.Met1210Ile (NM_001127500.3); short protein forms M762I, M1210I, M1192I.
Identifiers: ClinVar variation 2750335 (VCV002750335.3), dbSNP rs2117060069, ClinGen allele CA368991048.